The following is an entry in ClinVar:

ClinVar aggregate classification (germline): Conflicting classifications of pathogenicity. Review status: criteria provided, conflicting classifications (1 of 4 stars). 6 submissions from 6 submitters: Uncertain significance (1); Likely benign (4). 1 of the submissions does not count toward it. Last evaluated 2024-01-01.

Conditions:
Inborn genetic diseases. Identifiers: MedGen C0950123, MeSH D030342.
Microcephaly 2, primary, autosomal recessive, with or without cortical malformations. Also called: WDR62 Primary Microcephaly; MICROCEPHALY 2, PRIMARY, AUTOSOMAL RECESSIVE, WITH CORTICAL MALFORMATIONS. Identifiers: Orphanet 2512, MedGen C1858535, MONDO:0011435, OMIM 604317.
WDR62-related disorder. Also called: WDR62-related condition.

Allele frequency attached by ClinVar (database versions not stated): ExAC 0.00018; gnomAD 0.00018 and 0.00019; TOPMed 0.00019; ESP Exome Variant Server 0.00023; gnomAD exomes 0.00026.
gnomAD v4.1: 241 of 1,613,620 alleles (0.015%); highest among the groups gnomAD compares: Admixed American, 0.0083%; no homozygotes.

Submissions (6):

Labcorp Genetics (formerly Invitae), Labcorp
Classification: Likely benign. Last evaluated: 2024-01-01. Review status: criteria provided, single submitter. Criteria: Invitae Variant Classification Sherloc (09022015). Collection method: clinical testing. Allele origin: germline.

Ambry Genetics
Classification: Likely benign for Inborn genetic diseases. Last evaluated: 2023-03-07. Review status: criteria provided, single submitter. Criteria: Ambry Variant Classification Scheme 2023. Collection method: clinical testing. Allele origin: germline.

CeGaT Center for Human Genetics Tuebingen
Classification: Likely benign. Last evaluated: 2022-07-01. Review status: criteria provided, single submitter. Criteria: CeGaT Center For Human Genetics Tuebingen Variant Classification Criteria Version 2. Collection method: clinical testing. Allele origin: germline. Affected: yes. Observed: 1 variant allele.
Comment: WDR62: BP4

Genetic Services Laboratory, University of Chicago
Classification: Likely benign. Last evaluated: 2018-11-05. Review status: criteria provided, single submitter. Criteria: ACMG Guidelines, 2015. Collection method: clinical testing. Allele origin: germline. Affected: no.

Illumina Laboratory Services, Illumina
Classification: Uncertain significance for Microcephaly 2, primary, autosomal recessive, with or without cortical malformations. Last evaluated: 2018-01-13. Review status: criteria provided, single submitter. Criteria: ICSL Variant Classification Criteria 13 December 2019. Collection method: clinical testing. Allele origin: germline.

PreventionGenetics, part of Exact Sciences
Classification: Likely benign for WDR62-related condition. Last evaluated: 2022-07-08. Review status: no assertion criteria provided. Collection method: clinical testing. Allele origin: germline. Not counted in ClinVar's aggregate classification.
Comment: This variant is classified as likely benign based on ACMG/AMP sequence variant interpretation guidelines (Richards et al. 2015 PMID: 25741868, with internal and published modifications).

NM_001083961.2(WDR62):c.4312T>A (p.Leu1438Met)

Gene: WDR62 (WD repeat domain 62; plus strand). Cytogenetic location: 19q13.12.
Variant type: single nucleotide variant.
Coding change: c.4312T>A on transcript NM_001083961.2 (MANE Select); coding-DNA position 4312, T replaced by A.
Protein change: p.Leu1438Met; replaces leucine 1438 with methionine.
Molecular consequence: missense variant.
Genome position (GRCh38, 1-based): chr19:36,104,768, T>A. VCF-style: chr19-36104768-T-A. GRCh37 (hg19) VCF-style: chr19-36595670-T-A.
Other names: c.4297T>A, p.Leu1433Met (NM_173636.5); short protein forms L1438M, L1433M.
Identifiers: ClinVar variation 328933 (VCV000328933.44), dbSNP rs138814793, ClinGen allele CA9396544.